The following is an entry in ClinVar:

ClinVar aggregate classification (germline): Uncertain significance (1 of 4 stars; one submission).

Allele frequency attached by ClinVar (database versions not stated): gnomAD 0.00001; TOPMed 0.00002; ExAC 0.00003; gnomAD exomes 0.00003; ESP Exome Variant Server 0.00008.

Submission:

Labcorp Genetics (formerly Invitae), Labcorp
Classification: Uncertain significance. Last evaluated: 2024-01-02. Review status: criteria provided, single submitter. Criteria: Invitae Variant Classification Sherloc (09022015). Collection method: clinical testing. Allele origin: germline.
Comment: This sequence change replaces arginine, which is basic and polar, with methionine, which is neutral and non-polar, at codon 861 of the CARMIL2 protein (p.Arg861Met). This variant is present in population databases (rs367950552, gnomAD 0.006%). This variant has not been reported in the literature in individuals affected with CARMIL2-related conditions. ClinVar contains an entry for this variant (Variation ID: 1443301). Advanced modeling of protein sequence and biophysical properties (such as structural, functional, and spatial information, amino acid conservation, physicochemical variation, residue mobility, and thermodynamic stability) performed at Invitae indicates that this missense variant is not expected to disrupt CARMIL2 protein function with a negative predictive value of 80%. In summary, the available evidence is currently insufficient to determine the role of this variant in disease. Therefore, it has been classified as a Variant of Uncertain Significance.

NM_001013838.3(CARMIL2):c.2582G>T (p.Arg861Met)

Gene: CARMIL2 (capping protein regulator and myosin 1 linker 2; plus strand). Cytogenetic location: 16q22.1.
Variant type: single nucleotide variant.
Coding change: c.2582G>T on transcript NM_001013838.3 (MANE Select); coding-DNA position 2582, G replaced by T.
Protein change: p.Arg861Met; replaces arginine 861 with methionine.
Molecular consequence: missense variant.
Genome position (GRCh38, 1-based): chr16:67,651,839, G>T. VCF-style: chr16-67651839-G-T. GRCh37 (hg19) VCF-style: chr16-67685742-G-T.
Other names: c.2474G>T, p.Arg825Met (NM_001317026.3); short protein forms R825M, R861M.
Identifiers: ClinVar variation 1443301 (VCV001443301.6), dbSNP rs367950552, ClinGen allele CA8113819.
Genomic context (GRCh38, chr16:67,651,839, plus strand): 5'-CAGGCTCGAGGGGCCTCCCGGAGCTGCTCCCAGAGCAGCTGCTGCAAGATGCCTTCACTA[G>T]GCTCAGGTAGGCTGGATGGGGCTGGGCTGGGCAAGGCTGAGCAAAGCCAGCCCATTAACC-3'
Protein context (NP_001013860.1, residues 851-871): PEQLLQDAFT[Arg861Met]LRDMRLSITG